The following is an entry in ClinVar:

NM_006846.4(SPINK5):c.2387G>A (p.Arg796Gln)

Gene: SPINK5 (serine peptidase inhibitor Kazal type 5; plus strand). Cytogenetic location: 5q32.
Variant type: single nucleotide variant.
Coding change: c.2387G>A on transcript NM_006846.4 (MANE Select); coding-DNA position 2387, G replaced by A.
Protein change: p.Arg796Gln; replaces arginine 796 with glutamine.
Molecular consequence: missense variant.
Genome position (GRCh38, 1-based): chr5:148,120,082, G>A. VCF-style: chr5-148120082-G-A. GRCh37 (hg19) VCF-style: chr5-147499645-G-A.
Other names: c.2387G>A, p.Arg796Gln (NM_001127698.2, NM_001127699.2); short protein forms R796Q.
Identifiers: ClinVar variation 1355276 (VCV001355276.3), dbSNP rs779242910, ClinGen allele CA3495975.
Genomic context (GRCh38, chr5:148,120,082, plus strand): 5'-AGTTTAGAAGCCAAATGAAAAATGGAAAACTCATCTGCACTCGAGAAAGTGACCCTGTCC[G>A]GGGTCCAGATGGCAAGACACATGGCAATAAGTGTACTATGTGTAAGGAAAAACTGTGAGT-3'
Protein context (NP_006837.2, residues 786-806): LICTRESDPV[Arg796Gln]GPDGKTHGNK

ClinVar aggregate classification (germline): Uncertain significance (1 of 4 stars; one submission).

Conditions:
Netherton syndrome (NETH). Also called: COMEL-NETHERTON SYNDROME; NETHERTON DISEASE; ERYTHRODERMA, ICHTHYOSIFORM, WITH HYPOTRICHOSIS AND HYPER-IgE. Identifiers: Orphanet 634, MedGen C5574950, MONDO:0009735, OMIM 256500.

Allele frequency attached by ClinVar (database versions not stated): gnomAD 0.00001; gnomAD exomes 0.00001 and 0.00003; ExAC 0.00002.
gnomAD v4.1: 22 of 1,613,924 alleles (0.0014%); highest among the groups gnomAD compares: South Asian, 0.0088%; no homozygotes.

Submission:

Labcorp Genetics (formerly Invitae), Labcorp
Classification: Uncertain significance for Ichthyosis linearis circumflexa. Last evaluated: 2021-09-15. Review status: criteria provided, single submitter. Criteria: Invitae Variant Classification Sherloc (09022015). Collection method: clinical testing. Allele origin: germline.
Comment: This sequence change replaces arginine with glutamine at codon 796 of the SPINK5 protein (p.Arg796Gln). The arginine residue is highly conserved and there is a small physicochemical difference between arginine and glutamine. This variant is present in population databases (rs779242910, ExAC 0.009%). This variant has not been reported in the literature in individuals affected with SPINK5-related conditions. Algorithms developed to predict the effect of missense changes on protein structure and function output the following: SIFT: "Deleterious"; PolyPhen-2: "Probably Damaging"; Align-GVGD: "Class C0". The glutamine amino acid residue is found in multiple mammalian species, which suggests that this missense change does not adversely affect protein function. In summary, the available evidence is currently insufficient to determine the role of this variant in disease. Therefore, it has been classified as a Variant of Uncertain Significance.